The following is an entry in ClinVar:

NM_001290060.2(SEMA3B):c.279G>A (p.Pro93=)

Gene: SEMA3B (semaphorin 3B; plus strand). Cytogenetic location: 3p21.31.
Variant type: single nucleotide variant.
Coding change: c.279G>A on transcript NM_001290060.2 (MANE Select); coding-DNA position 279, G replaced by A.
Protein change: p.Pro93=; no amino-acid change (proline 93 retained).
Molecular consequence: synonymous variant.
Genome position (GRCh38, 1-based): chr3:50,270,444, G>A. VCF-style: chr3-50270444-G-A. GRCh37 (hg19) VCF-style: chr3-50307875-G-A.
Other names: c.279G>A, p.Pro93= (NM_001005914.3, NM_001290061.1, NM_004636.4).
Identifiers: ClinVar variation 3048220 (VCV003048220.2), dbSNP rs782183921, ClinGen allele CA2413703.

ClinVar aggregate classification (germline): Likely benign (0 of 4 stars; one submission).

Conditions:
SEMA3B-related disorder. Also called: SEMA3B-related condition.

Allele frequency attached by ClinVar (database versions not stated): TOPMed 0.00010; gnomAD 0.00004; gnomAD exomes 0.00006; ExAC 0.00018.

Submission:

PreventionGenetics, part of Exact Sciences
Classification: Likely benign for SEMA3B-related condition. Last evaluated: 2021-07-13. Review status: no assertion criteria provided. Collection method: clinical testing. Allele origin: germline.
Comment: This variant is classified as likely benign based on ACMG/AMP sequence variant interpretation guidelines (Richards et al. 2015 PMID: 25741868, with internal and published modifications).